The following is an entry in ClinVar:

NM_003280.3(TNNC1):c.439C>A (p.Arg147Ser)

Gene: TNNC1 (troponin C1, slow skeletal and cardiac type; minus strand). Cytogenetic location: 3p21.1.
Variant type: single nucleotide variant.
Coding change: c.439C>A on transcript NM_003280.3 (MANE Select); coding-DNA position 439, C replaced by A.
Protein change: p.Arg147Ser; replaces arginine 147 with serine.
Molecular consequence: missense variant.
Genome position (GRCh38, 1-based): chr3:52,451,406, G>T on the plus strand (C>A on the coding strand, the complement: TNNC1 is on the minus strand). VCF-style: chr3-52451406-G-T. GRCh37 (hg19) VCF-style: chr3-52485422-G-T.
Other names: short protein forms R147S.
Identifiers: ClinVar variation 3757972 (VCV003757972.2).

ClinVar aggregate classification (germline): Uncertain significance (1 of 4 stars; one submission).

Conditions:
Hypertrophic cardiomyopathy 13. Also called: TNNC1-Related Familial Hypertrophic Cardiomyopathy. Identifiers: MedGen C2750472, MONDO:0013195, OMIM 613243.
Dilated cardiomyopathy 1Z (CMD1Z). Identifiers: Orphanet 154, MedGen C2678475, MONDO:0012745, OMIM 611879.

Submission:

Labcorp Genetics (formerly Invitae), Labcorp
Classification: Uncertain significance for Hypertrophic cardiomyopathy 13; Dilated cardiomyopathy 1Z. Last evaluated: 2024-09-09. Review status: criteria provided, single submitter. Criteria: Invitae Variant Classification Sherloc (09022015). Collection method: clinical testing. Allele origin: germline.
Comment: This sequence change replaces arginine, which is basic and polar, with serine, which is neutral and polar, at codon 147 of the TNNC1 protein (p.Arg147Ser). This variant is not present in population databases (gnomAD no frequency). This variant has not been reported in the literature in individuals affected with TNNC1-related conditions. An algorithm developed to predict the effect of missense changes on protein structure and function (PolyPhen-2) suggests that this variant is likely to be tolerated. In summary, the available evidence is currently insufficient to determine the role of this variant in disease. Therefore, it has been classified as a Variant of Uncertain Significance.